The following is an entry in ClinVar:

ClinVar aggregate classification (germline): Uncertain significance (1 of 4 stars; one submission).

Submission:

Labcorp Genetics (formerly Invitae), Labcorp
Classification: Uncertain significance. Last evaluated: 2023-01-01. Review status: criteria provided, single submitter. Criteria: Invitae Variant Classification Sherloc (09022015). Collection method: clinical testing. Allele origin: germline.
Comment: In summary, the available evidence is currently insufficient to determine the role of this variant in disease. Therefore, it has been classified as a Variant of Uncertain Significance. Algorithms developed to predict the effect of sequence changes on RNA splicing suggest that this variant may disrupt the consensus splice site. Algorithms developed to predict the effect of missense changes on protein structure and function are either unavailable or do not agree on the potential impact of this missense change (SIFT: "Tolerated"; PolyPhen-2: "Probably Damaging"; Align-GVGD: "Class C0"). This variant has not been reported in the literature in individuals affected with CLCN6-related conditions. This variant is not present in population databases (gnomAD no frequency). This sequence change replaces glycine, which is neutral and non-polar, with valine, which is neutral and non-polar, at codon 88 of the CLCN6 protein (p.Gly88Val).

NM_001286.5(CLCN6):c.263G>T (p.Gly88Val)

Gene: CLCN6 (chloride voltage-gated channel 6; plus strand). Cytogenetic location: 1p36.22.
Variant type: single nucleotide variant.
Coding change: c.263G>T on transcript NM_001286.5 (MANE Select); coding-DNA position 263, G replaced by T.
Protein change: p.Gly88Val; replaces glycine 88 with valine.
Molecular consequence: missense variant. On other transcripts: non-coding transcript variant (1).
Genome position (GRCh38, 1-based): chr1:11,816,664, G>T. VCF-style: chr1-11816664-G-T. GRCh37 (hg19) VCF-style: chr1-11876721-G-T.
Other names: c.197G>T, p.Gly66Val (NM_001256959.2); short protein forms G88V, G66V.
Identifiers: ClinVar variation 2825792 (VCV002825792.3), dbSNP rs2523071573, ClinGen allele CA338425896.